The following is an entry in ClinVar:

NM_007074.4(CORO1A):c.1192C>T (p.Pro398Ser)

Gene: CORO1A (coronin 1A; plus strand). Cytogenetic location: 16p11.2.
Variant type: single nucleotide variant.
Coding change: c.1192C>T on transcript NM_007074.4 (MANE Select); coding-DNA position 1192, C replaced by T.
Protein change: p.Pro398Ser; replaces proline 398 with serine.
Molecular consequence: missense variant.
Genome position (GRCh38, 1-based): chr16:30,188,487, C>T. VCF-style: chr16-30188487-C-T. GRCh37 (hg19) VCF-style: chr16-30199808-C-T.
Other names: c.1192C>T, p.Pro398Ser (NM_001193333.3); short protein forms P398S.
Identifiers: ClinVar variation 1502545 (VCV001502545.6), dbSNP rs2073374467, ClinGen allele CA395499293.

ClinVar aggregate classification (germline): Uncertain significance (1 of 4 stars; one submission).

Conditions:
Severe combined immunodeficiency due to CORO1A deficiency. Also called: Immunodeficiency 8; IMMUNODEFICIENCY 8 WITH LYMPHOPROLIFERATION. Identifiers: Orphanet 228003, MedGen C3809383, MONDO:0014168, OMIM 615401.

gnomAD v4.1: 1 of 1,613,234 alleles (0.000062%); highest among the groups gnomAD compares: South Asian, 0.0011%; no homozygotes.

Submission:

Labcorp Genetics (formerly Invitae), Labcorp
Classification: Uncertain significance for Severe combined immunodeficiency due to CORO1A deficiency. Last evaluated: 2024-02-24. Review status: criteria provided, single submitter. Criteria: Invitae Variant Classification Sherloc (09022015). Collection method: clinical testing. Allele origin: germline.
Comment: This sequence change replaces proline, which is neutral and non-polar, with serine, which is neutral and polar, at codon 398 of the CORO1A protein (p.Pro398Ser). This variant is not present in population databases (gnomAD no frequency). This variant has not been reported in the literature in individuals affected with CORO1A-related conditions. ClinVar contains an entry for this variant (Variation ID: 1502545). Advanced modeling of protein sequence and biophysical properties (such as structural, functional, and spatial information, amino acid conservation, physicochemical variation, residue mobility, and thermodynamic stability) performed at Invitae indicates that this missense variant is not expected to disrupt CORO1A protein function with a negative predictive value of 80%. In summary, the available evidence is currently insufficient to determine the role of this variant in disease. Therefore, it has been classified as a Variant of Uncertain Significance.